The following is an entry in ClinVar:

NM_005993.5(TBCD):c.3310G>A (p.Asp1104Asn)

Gene: TBCD (tubulin folding cofactor D). Cytogenetic location: 17q25.3.
Variant type: single nucleotide variant.
Coding change: c.3310G>A on transcript NM_005993.5 (MANE Select); coding-DNA position 3310, G replaced by A.
Protein change: p.Asp1104Asn; replaces aspartic acid 1104 with asparagine.
Molecular consequence: missense variant.
Genome position (GRCh38, 1-based): chr17:82,938,077, G>A. VCF-style: chr17-82938077-G-A. GRCh37 (hg19) VCF-style: chr17-80895953-G-A.
Other names: c.3310G>A (NM_005993.4); short protein forms D1104N.
Identifiers: ClinVar variation 1514990 (VCV001514990.4), dbSNP rs372479408, ClinGen allele CA8863568.

ClinVar aggregate classification (germline): Conflicting classifications of pathogenicity. Review status: criteria provided, conflicting classifications (1 of 4 stars). 2 submissions from 2 submitters: Uncertain significance (1); Likely benign (1). Last evaluated 2024-03-28.

Conditions:
Inborn genetic diseases. Identifiers: MedGen C0950123, MeSH D030342.

Allele frequency attached by ClinVar (database versions not stated): ExAC 0.00008; TOPMed 0.00008; gnomAD exomes 0.00009; 1000 Genomes Project 30x 0.00016; ESP Exome Variant Server 0.00016; 1000 Genomes Project 0.00020.
gnomAD v4.1: 255 of 1,613,062 alleles (0.016%); highest among the groups gnomAD compares: Non-Finnish European, 0.021%; no homozygotes.

Submissions (2):

Ambry Genetics
Classification: Likely benign for Inborn genetic diseases. Last evaluated: 2024-03-28. Review status: criteria provided, single submitter. Criteria: Ambry Variant Classification Scheme 2023. Collection method: clinical testing. Allele origin: germline.

Labcorp Genetics (formerly Invitae), Labcorp
Classification: Uncertain significance. Last evaluated: 2022-08-15. Review status: criteria provided, single submitter. Criteria: Invitae Variant Classification Sherloc (09022015). Collection method: clinical testing. Allele origin: germline.
Comment: This sequence change replaces aspartic acid, which is acidic and polar, with asparagine, which is neutral and polar, at codon 1104 of the TBCD protein (p.Asp1104Asn). This variant is present in population databases (rs372479408, gnomAD 0.02%). This variant has not been reported in the literature in individuals affected with TBCD-related conditions. ClinVar contains an entry for this variant (Variation ID: 1514990). Algorithms developed to predict the effect of missense changes on protein structure and function output the following: SIFT: "Tolerated"; PolyPhen-2: "Benign"; Align-GVGD: "Class C0". The asparagine amino acid residue is found in multiple mammalian species, which suggests that this missense change does not adversely affect protein function. In summary, the available evidence is currently insufficient to determine the role of this variant in disease. Therefore, it has been classified as a Variant of Uncertain Significance.